The following is an entry in ClinVar:

NM_004304.5(ALK):c.3878T>C (p.Val1293Ala)

Gene: ALK (ALK receptor tyrosine kinase; minus strand). Cytogenetic location: 2p23.2.
Variant type: single nucleotide variant.
Coding change: c.3878T>C on transcript NM_004304.5 (MANE Select); coding-DNA position 3878, T replaced by C.
Protein change: p.Val1293Ala; replaces valine 1293 with alanine.
Molecular consequence: missense variant.
Genome position (GRCh38, 1-based): chr2:29,207,231, A>G on the plus strand (T>C on the coding strand, the complement: ALK is on the minus strand). VCF-style: chr2-29207231-A-G. GRCh37 (hg19) VCF-style: chr2-29430097-A-G.
Other names: c.3878T>C (NM_004304.4); c.674T>C, p.Val225Ala (NM_001353765.2); short protein forms V1293A, V225A.
Identifiers: ClinVar variation 4752201 (VCV004752201.2).

ClinVar aggregate classification (germline): Uncertain significance. Review status: criteria provided, multiple submitters, no conflicts (2 of 4 stars). 2 submissions from 2 submitters: Uncertain significance (2). Last evaluated 2026-02-28.

Conditions:
Neuroblastoma, susceptibility to, 3. Also called: ALK-Related Neuroblastic Tumor Susceptibility. Identifiers: Orphanet 635, MedGen C2751681, MONDO:0013083, OMIM 613014.
Hereditary cancer-predisposing syndrome. Also called: Neoplastic Syndromes, Hereditary; Hereditary neoplastic syndrome; Tumor predisposition; Hereditary Cancer Syndrome. Identifiers: Orphanet 140162, MedGen C0027672, MeSH D009386, MONDO:0015356.

Submissions (2):

Ambry Genetics
Classification: Uncertain significance for Hereditary cancer-predisposing syndrome. Last evaluated: 2026-02-28. Review status: criteria provided, single submitter. Criteria: Ambry Variant Classification Scheme 2023. Collection method: clinical testing. Allele origin: germline.
Comment: The p.V1293A variant (also known as c.3878T>C), located in coding exon 26 of the ALK gene, results from a T to C substitution at nucleotide position 3878. The valine at codon 1293 is replaced by alanine, an amino acid with similar properties. This amino acid position is conserved. In addition, the in silico prediction for this alteration is inconclusive. Based on the available evidence, the clinical significance of this variant remains unclear.

Labcorp Genetics (formerly Invitae), Labcorp
Classification: Uncertain significance for Neuroblastoma, susceptibility to, 3. Last evaluated: 2025-07-20. Review status: criteria provided, single submitter. Criteria: Invitae Variant Classification Sherloc (09022015). Collection method: clinical testing. Allele origin: germline.
Comment: This sequence change replaces valine, which is neutral and non-polar, with alanine, which is neutral and non-polar, at codon 1293 of the ALK protein (p.Val1293Ala). This variant is not present in population databases (gnomAD no frequency). This variant has not been reported in the literature in individuals affected with ALK-related conditions. An algorithm developed to predict the effect of missense changes on protein structure and function (PolyPhen-2) suggests that this variant is likely to be disruptive. In summary, the available evidence is currently insufficient to determine the role of this variant in disease. Therefore, it has been classified as a Variant of Uncertain Significance.